The following is an entry in ClinVar:

NM_015559.3(SETBP1):c.4075A>G (p.Met1359Val)

Gene: SETBP1 (SET binding protein 1; plus strand). Cytogenetic location: 18q12.3.
Variant type: single nucleotide variant.
Coding change: c.4075A>G on transcript NM_015559.3 (MANE Select); coding-DNA position 4075, A replaced by G.
Protein change: p.Met1359Val; replaces methionine 1359 with valine.
Molecular consequence: missense variant. On other transcripts: intron variant (1).
Genome position (GRCh38, 1-based): chr18:45,038,559, A>G. VCF-style: chr18-45038559-A-G. GRCh37 (hg19) VCF-style: chr18-42618524-A-G.
Other names: c.4075A>G, p.Met1359Val (NM_001379141.1, NM_001379142.1); c.4001-24520A>G (NM_001410862.1); short protein forms M1359V.
Identifiers: ClinVar variation 2581438 (VCV002581438.1), dbSNP rs2511319963, ClinGen allele CA402482464.
Genomic context (GRCh38, chr18:45,038,559, plus strand): 5'-CACTTAAAAGTGGACCAGACAGCAGTGCATAGTAAGAACGAAGGCTCAGTGCCCACCATG[A>G]TGACCAGGAAGAAGCCAGCCGCAGTTGACAGTGTTACAATTCCACCAGCCCCAGTGTTAT-3'
Protein context (NP_056374.2, residues 1349-1369): SKNEGSVPTM[Met1359Val]TRKKPAAVDS

ClinVar aggregate classification (germline): Uncertain significance (1 of 4 stars; one submission).

Allele frequency attached by ClinVar (database versions not stated): gnomAD exomes 0.00001.

Submission:

Women's Health and Genetics/Laboratory Corporation of America, LabCorp
Classification: Uncertain significance. Last evaluated: 2023-08-29. Review status: criteria provided, single submitter. Criteria: LabCorp Variant Classification Summary - May 2015. Collection method: clinical testing. Allele origin: germline.
Comment: Variant summary: SETBP1 c.4075A>G (p.Met1359Val) results in a conservative amino acid change in the encoded protein sequence. Four of five in-silico tools predict a benign effect of the variant on protein function. The variant was absent in 251416 control chromosomes (gnomAD). The available data on variant occurrences in the general population are insufficient to allow any conclusion about variant significance. To our knowledge, no occurrence of c.4075A>G in individuals affected with SETBP1-Related Disorders and no experimental evidence demonstrating its impact on protein function have been reported. No submitters have reported clinical-significance assessments for this variant to ClinVar after 2014. Based on the evidence outlined above, the variant was classified as uncertain significance.